The following is an entry in ClinVar:

ClinVar aggregate classification (germline): Uncertain significance (1 of 4 stars; one submission).

Conditions:
Hereditary cancer-predisposing syndrome. Also called: Neoplastic Syndromes, Hereditary; Tumor predisposition; Hereditary neoplastic syndrome; Hereditary Cancer Syndrome. Identifiers: Orphanet 140162, MedGen C0027672, MeSH D009386, MONDO:0015356.

Submission:

Ambry Genetics
Classification: Uncertain significance for Hereditary cancer-predisposing syndrome. Last evaluated: 2026-07-01. Review status: criteria provided, single submitter. Criteria: Ambry Variant Classification Scheme 2023. Collection method: clinical testing. Allele origin: germline.
Comment: The p.Q138E variant (also known as c.412C>G), located in coding exon 3 of the RET gene, results from a C to G substitution at nucleotide position 412. The glutamine at codon 138 is replaced by glutamic acid, an amino acid with highly similar properties. This amino acid position is conserved. In addition, this alteration is predicted to be tolerated by in silico analysis. Based on the available evidence, the clinical significance of this variant remains unclear.

NM_020975.6(RET):c.412C>G (p.Gln138Glu)

Gene: RET (ret proto-oncogene; plus strand). Cytogenetic location: 10q11.21.
Variant type: single nucleotide variant.
Coding change: c.412C>G on transcript NM_020975.6 (MANE Select); coding-DNA position 412, C replaced by G.
Protein change: p.Gln138Glu; replaces glutamine 138 with glutamic acid.
Molecular consequence: missense variant. On other transcripts: intron variant (22).
Genome position (GRCh38, 1-based): chr10:43,102,416, C>G. VCF-style: chr10-43102416-C-G. GRCh37 (hg19) VCF-style: chr10-43597864-C-G.
Other names: c.337+1694C>G (NM_001406788.1, NM_001406789.1, NM_001406791.1 and 8 more transcripts); c.74-6615C>G (NM_001406784.1); c.74-9683C>G (NM_001406794.1, NM_001406792.1, NM_001406793.1); c.412C>G, p.Gln138Glu (NM_001406781.1, NM_001406782.1, NM_001406785.1 and 14 more transcripts); c.338-55C>G (NM_001406764.1, NM_001406762.1, NM_001406761.1 and 4 more transcripts); short protein forms Q138E.
Identifiers: ClinVar variation 5028166 (VCV005028166.1).